The following is an entry in ClinVar:

NM_000334.4(SCN4A):c.1653C>T (p.Cys551=)

Gene: SCN4A (sodium voltage-gated channel alpha subunit 4; minus strand). Cytogenetic location: 17q23.3.
Variant type: single nucleotide variant.
Coding change: c.1653C>T on transcript NM_000334.4 (MANE Select); coding-DNA position 1653, C replaced by T.
Protein change: p.Cys551=; no amino-acid change (cysteine 551 retained).
Molecular consequence: synonymous variant.
Genome position (GRCh38, 1-based): chr17:63,961,385, G>A on the plus strand (C>T on the coding strand, the complement: SCN4A is on the minus strand). VCF-style: chr17-63961385-G-A. GRCh37 (hg19) VCF-style: chr17-62038745-G-A.
Identifiers: ClinVar variation 324538 (VCV000324538.42), dbSNP rs201199086, ClinGen allele CA8709763.

ClinVar aggregate classification (germline): Conflicting classifications of pathogenicity. Review status: criteria provided, conflicting classifications (1 of 4 stars). 10 submissions from 6 submitters: Uncertain significance (1); Benign (5); Likely benign (4). Last evaluated 2026-05-01.

Conditions:
Congenital myasthenic syndrome 16. Identifiers: Orphanet 590, MedGen C3280112, MONDO:0013620, OMIM 614198.
Paramyotonia congenita of Von Eulenburg. Also called: Paramyotonia Congenita; PARALYSIS PERIODICA PARAMYOTONICA; Eulenburg disease; Myotonia congenita intermittens; Von Eulenburg paramyotonia congenita. Identifiers: Orphanet 684, MedGen C0221055, MONDO:0008195, OMIM 168300. Disease mechanism: loss of function.
Hypokalemic periodic paralysis, type 2 (HOKPP2). Identifiers: Orphanet 681, MedGen C2750061, MONDO:0013234, OMIM 613345.
Potassium-aggravated myotonia. Also called: Myotonia congenita, atypical, acetazolamide-responsive; MYOTONIA CONGENITA, ACETAZOLAMIDE-RESPONSIVE; MYOTONIA CONGENITA, ATYPICAL; SODIUM CHANNEL MUSCLE DISEASE. Identifiers: Orphanet 612, Orphanet 99734, Orphanet 99735, Orphanet 99736, MedGen C2931826, MONDO:0018959, OMIM 608390.
Hyperkalemic periodic paralysis. Also called: Familial hyperkalemic periodic paralysis; Gamstorp disease. Identifiers: Orphanet 682, MedGen C0238357, MONDO:0008224, OMIM 170500, HP:0007215.

Allele frequency attached by ClinVar (database versions not stated): gnomAD exomes 0.00042; ExAC 0.00051; ESP Exome Variant Server 0.00024; gnomAD 0.00026; TOPMed 0.00034.
gnomAD v4.1: 1,078 of 1,613,688 alleles (0.067%); highest among the groups gnomAD compares: Middle Eastern, 0.099%; 1 homozygote.

Submissions (10):

CeGaT Center for Human Genetics Tuebingen
Classification: Likely benign. Last evaluated: 2026-05-01. Review status: criteria provided, single submitter. Criteria: CeGaT Center For Human Genetics Tuebingen Variant Classification Criteria Version 2. Collection method: clinical testing. Allele origin: germline. Affected: yes. Observed: 4 variant alleles.
Comment: SCN4A: BP4, BP7

Labcorp Genetics (formerly Invitae), Labcorp
Classification: Likely benign for Hyperkalemic periodic paralysis. Last evaluated: 2026-01-18. Review status: criteria provided, single submitter. Criteria: Invitae Variant Classification Sherloc (09022015). Collection method: clinical testing. Allele origin: germline.

Blueprint Genetics
Classification: Likely benign. Last evaluated: 2024-11-17. Review status: criteria provided, single submitter. Criteria: ACMG Guidelines, 2015. Collection method: clinical testing. Allele origin: germline.

Athena Diagnostics
Classification: Benign. Last evaluated: 2021-03-15. Review status: criteria provided, single submitter. Criteria: Athena Diagnostics criteria. Collection method: clinical testing. Allele origin: unknown.

Illumina Laboratory Services, Illumina
Classification: Benign for Hyperkalemic periodic paralysis. Last evaluated: 2018-01-12. Review status: criteria provided, single submitter. Criteria: ICSL Variant Classification Criteria 13 December 2019. Collection method: clinical testing. Allele origin: germline.
Comment: This variant was observed in the ICSL laboratory as part of a predisposition screen in an ostensibly healthy population. It had not been previously curated by ICSL or reported in the Human Gene Mutation Database (HGMD: prior to June 1st, 2018), and was therefore a candidate for classification through an automated scoring system. Utilizing variant allele frequency, disease prevalence and penetrance estimates, and inheritance mode, an automated score was calculated to assess if this variant is too frequent to cause the disease. Based on the score and internal cut-off values, a variant classified as benign is not then subjected to further curation. The score for this variant resulted in a classification of benign for this disease.

Illumina Laboratory Services, Illumina
Classification: Benign for Hypokalemic periodic paralysis, type 2. Last evaluated: 2018-01-12. Review status: criteria provided, single submitter. Criteria: ICSL Variant Classification Criteria 13 December 2019. Collection method: clinical testing. Allele origin: germline.
Comment: the same text as in the submission from Illumina Laboratory Services, Illumina above.

Illumina Laboratory Services, Illumina
Classification: Benign for Paramyotonia congenita of Von Eulenburg. Last evaluated: 2018-01-12. Review status: criteria provided, single submitter. Criteria: ICSL Variant Classification Criteria 13 December 2019. Collection method: clinical testing. Allele origin: germline.
Comment: the same text as in the submission from Illumina Laboratory Services, Illumina above.

Illumina Laboratory Services, Illumina
Classification: Benign for Potassium-aggravated myotonia. Last evaluated: 2018-01-12. Review status: criteria provided, single submitter. Criteria: ICSL Variant Classification Criteria 13 December 2019. Collection method: clinical testing. Allele origin: germline.
Comment: the same text as in the submission from Illumina Laboratory Services, Illumina above.

Illumina Laboratory Services, Illumina
Classification: Uncertain significance for Congenital myasthenic syndrome 16. Last evaluated: 2018-01-12. Review status: criteria provided, single submitter. Criteria: ICSL Variant Classification Criteria 13 December 2019. Collection method: clinical testing. Allele origin: germline.

GeneDx
Classification: Likely benign. Last evaluated: 2017-06-15. Review status: criteria provided, single submitter. Criteria: GeneDx Variant Classification (06012015). Collection method: clinical testing. Allele origin: germline. Affected: yes.
Comment: This variant is considered likely benign or benign based on one or more of the following criteria: it is a conservative change, it occurs at a poorly conserved position in the protein, it is predicted to be benign by multiple in silico algorithms, and/or has population frequency not consistent with disease.